The following is an entry in ClinVar:

NM_024857.5(ATAD5):c.4342C>T (p.Arg1448Cys)

Gene: ATAD5 (ATPase family AAA domain containing 5; plus strand). Cytogenetic location: 17q11.2.
Variant type: single nucleotide variant.
Coding change: c.4342C>T on transcript NM_024857.5 (MANE Select); coding-DNA position 4342, C replaced by T.
Protein change: p.Arg1448Cys; replaces arginine 1448 with cysteine.
Molecular consequence: missense variant.
Genome position (GRCh38, 1-based): chr17:30,892,690, C>T. VCF-style: chr17-30892690-C-T. GRCh37 (hg19) VCF-style: chr17-29219708-C-T.
Other names: short protein forms R1448C.
Identifiers: ClinVar variation 3038034 (VCV003038034.2), dbSNP rs140139079, ClinGen allele CA8484271.
Genomic context (GRCh38, chr17:30,892,690, plus strand): 5'-CTAGTTTGCTCTGAACATGGCCTTGATAACAAAATTTACCCTAAAAATACTAAAAAGAAA[C>T]GTGTAGACCTTCCAAAATGTGACAGTGGCTGTGCTGAGACCTTGTTTGGCCTTAAGAACA-3'
Protein context (NP_079133.3, residues 1438-1458): KIYPKNTKKK[Arg1448Cys]VDLPKCDSGC

ClinVar aggregate classification (germline): Benign (0 of 4 stars; one submission).

Conditions:
ATAD5-related disorder. Also called: ATAD5-related condition.

Allele frequency attached by ClinVar (database versions not stated): TOPMed 0.00215; 1000 Genomes Project 30x 0.00234; 1000 Genomes Project 0.00260; ESP Exome Variant Server 0.00261; gnomAD 0.00313; gnomAD exomes 0.00316; ExAC 0.00447.
gnomAD v4.1: 5,070 of 1,604,466 alleles (0.32%); highest among the groups gnomAD compares: South Asian, 1.1%; 33 homozygotes.

Submission:

PreventionGenetics, part of Exact Sciences
Classification: Benign for ATAD5-related condition. Last evaluated: 2019-05-15. Review status: no assertion criteria provided. Collection method: clinical testing. Allele origin: germline.
Comment: This variant is classified as benign based on ACMG/AMP sequence variant interpretation guidelines (Richards et al. 2015 PMID: 25741868, with internal and published modifications).